The following is an entry in ClinVar:

ClinVar aggregate classification (germline): Conflicting classifications of pathogenicity. Review status: criteria provided, conflicting classifications (1 of 4 stars). 14 submissions from 14 submitters: Uncertain significance (3); Likely benign (6). 5 of the submissions do not count toward it. Last evaluated 2026-10-01.

Conditions:
VPS13A-related disorder. Also called: VPS13A-related condition.
VPS13A-related neurodegenerative disease. Also called: Chorea-acanthocytosis; VPS13A Disease; Choreaacanthocytosis; ACANTHOCYTOSIS WITH NEUROLOGIC DISORDER; LEVINE-CRITCHLEY SYNDROME; Choreoacanthocytosis. Identifiers: Orphanet 2388, MedGen C0393576, MONDO:0008695, OMIM 200150.

Allele frequency attached by ClinVar (database versions not stated): 1000 Genomes Project 30x 0.00094; 1000 Genomes Project 0.00100; TOPMed 0.00220; gnomAD exomes 0.00239 and 0.00381; ESP Exome Variant Server 0.00246; gnomAD 0.00253 and 0.00255; ExAC 0.00266.
gnomAD v4.1: 5,914 of 1,613,546 alleles (0.37%); highest among the groups gnomAD compares: Non-Finnish European, 0.46%; 25 homozygotes.

Submissions (14):

CeGaT Center for Human Genetics Tuebingen
Classification: Likely benign. Last evaluated: 2026-10-01. Review status: criteria provided, single submitter. Criteria: CeGaT Center For Human Genetics Tuebingen Variant Classification Criteria Version 2. Collection method: clinical testing. Allele origin: germline. Affected: yes. Observed: 18 variant alleles.
Comment: VPS13A: BP4, BS2

Labcorp Genetics (formerly Invitae), Labcorp
Classification: Likely benign. Last evaluated: 2026-02-04. Review status: criteria provided, single submitter. Criteria: Invitae Variant Classification Sherloc (09022015). Collection method: clinical testing. Allele origin: germline.

Mayo Clinic Laboratories, Mayo Clinic
Classification: Likely benign. Last evaluated: 2025-03-18. Review status: criteria provided, single submitter. Criteria: ACMG Guidelines, 2015. Collection method: clinical testing. Allele origin: germline. Observed: 4 variant alleles.
Comment: BS1, BP4_moderate

GeneDx
Classification: Likely benign. Last evaluated: 2025-01-17. Review status: criteria provided, single submitter. Criteria: GeneDx Variant Classification Process June 2021. Collection method: clinical testing. Allele origin: germline. Affected: yes.
Comment: See Variant Classification Assertion Criteria.

Blueprint Genetics
Classification: Likely benign. Last evaluated: 2024-11-27. Review status: criteria provided, single submitter. Criteria: ACMG Guidelines, 2015. Collection method: clinical testing. Allele origin: germline.

Baylor Genetics
Classification: Uncertain significance for VPS13A-related neurodegenerative disease. Last evaluated: 2020-12-29. Review status: criteria provided, single submitter. Criteria: ACMG Guidelines, 2015. Collection method: clinical testing. Allele origin: paternal. Affected: yes.
Comment: This variant was determined to be of uncertain significance according to ACMG Guidelines, 2015 [PMID:25741868].

Fulgent Genetics
Classification: Uncertain significance for VPS13A-related neurodegenerative disease. Last evaluated: 2018-10-31. Review status: criteria provided, single submitter. Criteria: ACMG Guidelines, 2015. Collection method: clinical testing. Allele origin: unknown.

Athena Diagnostics
Classification: Uncertain significance. Last evaluated: 2018-03-14. Review status: criteria provided, single submitter. Criteria: Athena Diagnostics Criteria. Collection method: clinical testing. Allele origin: germline.

Illumina Laboratory Services, Illumina
Classification: Likely benign for VPS13A-related neurodegenerative disease. Last evaluated: 2018-01-13. Review status: criteria provided, single submitter. Criteria: ICSL Variant Classification Criteria 13 December 2019. Collection method: clinical testing. Allele origin: germline.
Comment: This variant was observed in the ICSL laboratory as part of a predisposition screen in an ostensibly healthy population. It had not been previously curated by ICSL or reported in the Human Gene Mutation Database (HGMD: prior to June 1st, 2018), and was therefore a candidate for classification through an automated scoring system. Utilizing variant allele frequency, disease prevalence and penetrance estimates, and inheritance mode, an automated score was calculated to assess if this variant is too frequent to cause the disease. Based on the score and internal cut-off values, a variant classified as likely benign is not then subjected to further curation. The score for this variant resulted in a classification of likely benign for this disease.

PreventionGenetics, part of Exact Sciences
Classification: Likely benign for VPS13A-related condition. Last evaluated: 2020-09-16. Review status: no assertion criteria provided. Collection method: clinical testing. Allele origin: germline. Not counted in ClinVar's aggregate classification.
Comment: This variant is classified as likely benign based on ACMG/AMP sequence variant interpretation guidelines (Richards et al. 2015 PMID: 25741868, with internal and published modifications).

Clinical Genetics DNA and cytogenetics Diagnostics Lab, Erasmus MC, Erasmus Medical Center
Classification: Likely benign. Review status: no assertion criteria provided. Collection method: clinical testing. Allele origin: germline. Affected: yes. Study: VKGL Data-share Consensus. Not counted in ClinVar's aggregate classification.

Department of Pathology and Laboratory Medicine, Sinai Health System
Classification: Likely benign. Review status: no assertion criteria provided. Collection method: clinical testing. Allele origin: unknown. Affected: yes. Study: The Canadian Open Genetics Repository (COGR). Not counted in ClinVar's aggregate classification.
Comment: The VPS13A p.Asn259Asp variant was not identified in the literature nor was it identified in Cosmic. The variant was identified in dbSNP (ID: rs41307461), LOVD 3.0 (classified as likely benign) and in ClinVar (classified as a VUS by Illumina, Athena Diagnostics and Fulgent Genetics and as likely benign by Diagnostic Laboratory, Department of Genetics, University Medical Center Groningen). The variant was also identified in control databases in 705 of 282532 chromosomes (2 homozygous) at a frequency of 0.002495 increasing the likelihood this could be a low frequency benign variant (Genome Aggregation Database Feb 27, 2017). The variant was observed in the following populations: European (non-Finnish) in 567 of 128988 chromosomes (freq: 0.004396), Ashkenazi Jewish in 41 of 10364 chromosomes (freq: 0.003956), Other in 23 of 7206 chromosomes (freq: 0.003192), European (Finnish) in 37 of 25112 chromosomes (freq: 0.001473), African in 18 of 24922 chromosomes (freq: 0.000722) and Latino in 19 of 35392 chromosomes (freq: 0.000537), but not in the East Asian and South Asian populations. The variant occurs outside of the splicing consensus sequence and in silico or computational prediction software programs (SpliceSiteFinder, MaxEntScan, NNSPLICE, GeneSplicer) do not predict a difference in splicing. The p.Asn259 residue is not conserved in mammals and computational analyses (PolyPhen-2, SIFT, AlignGVGD, BLOSUM, MutationTaster) do not suggest a high likelihood of impact to the protein; however, this information is not predictive enough to rule out pathogenicity. In summary, based on the above information the clinical significance of this variant cannot be determined with certainty at this time although we would lean towards a more benign role for this variant. This variant is classified as likely benign.

Diagnostic Laboratory, Department of Genetics, University Medical Center Groningen
Classification: Likely benign for VPS13A-related neurodegenerative disease. Review status: no assertion criteria provided. Collection method: clinical testing. Allele origin: germline. Affected: yes. Study: VKGL Data-share Consensus. Not counted in ClinVar's aggregate classification.

Genome Diagnostics Laboratory, Amsterdam University Medical Center
Classification: Likely benign. Review status: no assertion criteria provided. Collection method: clinical testing. Allele origin: germline. Affected: yes. Study: VKGL Data-share Consensus. Not counted in ClinVar's aggregate classification.

NM_033305.3(VPS13A):c.775A>G (p.Asn259Asp)

Gene: VPS13A (vacuolar protein sorting 13 homolog A; plus strand). Cytogenetic location: 9q21.2.
Variant type: single nucleotide variant.
Coding change: c.775A>G on transcript NM_033305.3 (MANE Select); coding-DNA position 775, A replaced by G.
Protein change: p.Asn259Asp; replaces asparagine 259 with aspartic acid.
Molecular consequence: missense variant.
Genome position (GRCh38, 1-based): chr9:77,219,974, A>G. VCF-style: chr9-77219974-A-G. GRCh37 (hg19) VCF-style: chr9-79834890-A-G.
Other names: c.775A>G, p.Asn259Asp (NM_001018037.2, NM_001018038.3, NM_015186.4); short protein forms N259D.
Identifiers: ClinVar variation 367346 (VCV000367346.73), dbSNP rs41307461, ClinGen allele CA5091481.